The following is an entry in ClinVar:

NM_139058.3(ARX):c.306GGC[5] (p.Ala111_Ala115del)

Genes: ARX (aristaless related homeobox; minus strand), LOC109610631 (aristaless related homeobox polyalanine expansion region; plus strand). Cytogenetic location: Xp21.3.
Variant type: Microsatellite.
Coding change: c.306GGC[5] on transcript NM_139058.3 (MANE Select); five copies in a row of the 3-base unit GGC starting at c.306; the reference has ten copies in a row; five copies, 15 bases deleted.
Protein change: p.Ala111_Ala115del.
Molecular consequence: inframe deletion.
Genome position (GRCh38, 1-based): chrX:25,013,660-25,013,674, GCCGCCGCCGCCGCC deleted on the plus strand (GGCGGCGGCGGCGGC on the coding strand, the reverse complement: ARX is on the minus strand); deleting any 15 consecutive bases within chrX:25,013,660-25,013,691 gives the same sequence; the position shown is the placement nearest the transcript's 3' end. VCF-style (leftmost placement, unchanged base first): chrX-25013659-TGCCGCCGCCGCCGCC-T. GRCh37 (hg19) VCF-style: chrX-25031776-TGCCGCCGCCGCCGCC-T.
Identifiers: ClinVar variation 591328 (VCV000591328.12), dbSNP rs387906492, ClinGen allele CA874147966.

ClinVar aggregate classification (germline): Conflicting classifications of pathogenicity. Review status: criteria provided, conflicting classifications (1 of 4 stars). 3 submissions from 3 submitters: Uncertain significance (1); Benign (1). 1 of the submissions does not count toward it. Last evaluated 2025-07-15.

Conditions:
Intellectual disability, X-linked, with or without seizures, ARX-related. Also called: Mental retardation, X-linked 52; MENTAL RETARDATION, X-LINKED 29; MENTAL RETARDATION, X-LINKED 32; MENTAL RETARDATION, X-LINKED 33; MENTAL RETARDATION, X-LINKED 38; MENTAL RETARDATION, X-LINKED 43. Identifiers: Orphanet 777, MedGen C0796244, MONDO:0010317, OMIM 300419.
Developmental and epileptic encephalopathy, 1 (DEE1). Also called: OHTAHARA SYNDROME, X-LINKED; INFANTILE SPASM SYNDROME, X-LINKED 1; X-linked infantile spasms; West's syndrome; Tonic spasms with clustering, arrest of psychomotor development and hypsarrhythmia on EEG; X-Linked Infantile Spasm Syndrome. Identifiers: MedGen C3463992, MONDO:0010632, OMIM 308350. Disease mechanism: loss of function.

Submissions (3):

Labcorp Genetics (formerly Invitae), Labcorp
Classification: Uncertain significance for Developmental and epileptic encephalopathy, 1; Intellectual disability, X-linked, with or without seizures, ARX-related. Last evaluated: 2025-07-15. Review status: criteria provided, single submitter. Criteria: Invitae Variant Classification Sherloc (09022015). Collection method: clinical testing. Allele origin: germline.
Comment: This variant, c.321_335del, results in the deletion of 5 amino acid(s) of the ARX protein (p.Ala111_Ala115del), but otherwise preserves the integrity of the reading frame. The frequency data for this variant in the population databases is considered unreliable, as metrics indicate insufficient coverage at this position in the gnomAD database. This variant has not been reported in the literature in individuals affected with ARX-related conditions. ClinVar contains an entry for this variant (Variation ID: 591328). Experimental studies and prediction algorithms are not available or were not evaluated, and the functional significance of this variant is currently unknown. In summary, the available evidence is currently insufficient to determine the role of this variant in disease. Therefore, it has been classified as a Variant of Uncertain Significance.

GeneDx
Classification: Benign. Last evaluated: 2020-12-03. Review status: criteria provided, single submitter. Criteria: GeneDx Variant Classification Process June 2021. Collection method: clinical testing. Allele origin: germline. Affected: yes.

Gharavi Laboratory, Columbia University
Classification: Uncertain significance. Last evaluated: 2018-09-16. Review status: no assertion criteria provided. Criteria: ACMG Guidelines, 2015. Collection method: research. Allele origin: germline. Affected: yes. Not counted in ClinVar's aggregate classification.